The following is an entry in ClinVar:

ClinVar aggregate classification (germline): Uncertain significance. Review status: criteria provided, multiple submitters, no conflicts (2 of 4 stars). 3 submissions from 3 submitters: Uncertain significance (3). Last evaluated 2026-02-24.

Conditions:
Primary dilated cardiomyopathy (DCM). Also called: Dilated Cardiomyopathy. Identifiers: Orphanet 217604, MedGen C0007193, MeSH D002311, MONDO:0005021, HP:0001644. Inheritance: Various modes of inheritance.

Allele frequency attached by ClinVar (database versions not stated): ExAC 0.00002; gnomAD 0.00019 and 0.00017; gnomAD exomes 0.00002 and 0.00004; ESP Exome Variant Server 0.00008; TOPMed 0.00013.
gnomAD v4.1: 54 of 1,599,238 alleles (0.0034%); highest among the groups gnomAD compares: African/African-American, 0.062%; no homozygotes.

Submissions (3):

Women's Health and Genetics/Laboratory Corporation of America, LabCorp
Classification: Uncertain significance. Last evaluated: 2026-02-24. Review status: criteria provided, single submitter. Criteria: LabCorp Variant Classification Summary - May 2015. Collection method: clinical testing. Allele origin: germline.
Comment: Variant summary: NEBL c.14T>C (p.Val5Ala) results in a non-conservative amino acid change in the encoded protein sequence. Algorithms developed to predict the effect of missense changes on protein structure and function are either unavailable or do not agree on the potential impact of this missense change. The variant allele was found at a frequency of 3.5e-05 in 227930 control chromosomes, predominantly at a frequency of 0.00053 within the African or African-American subpopulation in the gnomAD database. The available data on variant occurrences in the general population are insufficient to allow any conclusion about variant significance. c.14T>C has been observed in individual(s) affected with Dilated Cardiomyopathy (Burstein_2021). These report(s) do not provide unequivocal conclusions about association of the variant with Dilated Cardiomyopathy. To our knowledge, no experimental evidence demonstrating an impact on protein function has been reported. The following publication has been ascertained in the context of this evaluation (PMID: 32746448). ClinVar contains an entry for this variant (Variation ID: 45481). Based on the evidence outlined above, the variant was classified as uncertain significance.

Labcorp Genetics (formerly Invitae), Labcorp
Classification: Uncertain significance for Primary dilated cardiomyopathy. Last evaluated: 2025-11-16. Review status: criteria provided, single submitter. Criteria: Invitae Variant Classification Sherloc (09022015). Collection method: clinical testing. Allele origin: germline.
Comment: This sequence change replaces valine, which is neutral and non-polar, with alanine, which is neutral and non-polar, at codon 5 of the NEBL protein (p.Val5Ala). This variant is present in population databases (rs145770601, gnomAD 0.07%), and has an allele count higher than expected for a pathogenic variant. This missense change has been observed in individual(s) with dilated cardiomyopathy (PMID: 32746448). ClinVar contains an entry for this variant (Variation ID: 45481). An algorithm developed to predict the effect of missense changes on protein structure and function (PolyPhen-2) suggests that this variant is likely to be tolerated. In summary, the available evidence is currently insufficient to determine the role of this variant in disease. Therefore, it has been classified as a Variant of Uncertain Significance.

Laboratory for Molecular Medicine, Mass General Brigham Personalized Medicine
Classification: Uncertain significance. Last evaluated: 2012-08-22. Review status: criteria provided, single submitter. Criteria: LMM Criteria. Collection method: clinical testing. Allele origin: germline. Observed: 1 variant allele.
Comment: The Val5Ala variant in NEBL has been identified in 1/4406 African American chrom osomes from a broad population by the NHLBI Exome Sequencing Project (.; dbSNP rs145770601), though this could represent a presym ptomatic individual. Computational analyses (biochemical amino acid properties, conservation, AlignGVGD, and PolyPhen2) suggest that the variant may not impact the protein, though this information is not predictive enough to rule out pathog enicity. Additional information is needed to fully assess the variant's clinical significance.

Literature cited by the submitters: PubMed 32746448 (cited by Women's Health and Genetics/Laboratory Corporation of America, LabCorp and Labcorp Genetics (formerly Invitae), Labcorp).

NM_006393.3(NEBL):c.14T>C (p.Val5Ala)

Gene: NEBL (nebulette; minus strand). Cytogenetic location: 10p12.31.
Variant type: single nucleotide variant.
Coding change: c.14T>C on transcript NM_006393.3 (MANE Select); coding-DNA position 14, T replaced by C.
Protein change: p.Val5Ala; replaces valine 5 with alanine.
Molecular consequence: missense variant. On other transcripts: intron variant (9).
Genome position (GRCh38, 1-based): chr10:20,897,192, A>G on the plus strand (T>C on the coding strand, the complement: NEBL is on the minus strand). VCF-style: chr10-20897192-A-G. GRCh37 (hg19) VCF-style: chr10-21186121-A-G.
Other names: c.249+64480T>C (NM_001377326.1, NM_001377327.1, NM_001377328.1); c.357+64480T>C (NM_213569.2, NM_001173484.2, NM_001377322.1); c.300+64480T>C (NM_001377324.1); c.291+64480T>C (NM_001377325.1); c.309+64480T>C (NM_001377323.1); short protein forms V5A.
Identifiers: ClinVar variation 45481 (VCV000045481.14), dbSNP rs145770601, ClinGen allele CA136403.
Genomic context (GRCh38, chr10:20,897,192, plus strand): 5'-TCTTCATTTTCTTCTTCCCCTATCTTTTCTTCTTCAGTTTCATCTTTTATATCCTCAAAT[A>G]CAGGGACCCTCATTTTTACCCTTTAAAATATTTATATTTTTAAAATTTACTCATGTGGCG-3'
Protein context (NP_006384.1, residues 1-15): MRVP[Val5Ala]FEDIKDETEE